The following is an entry in ClinVar:

ClinVar aggregate classification (germline): Uncertain significance (1 of 4 stars; one submission).

Conditions:
Hypotonia, infantile, with psychomotor retardation and characteristic facies 2 (IHPRF2). Also called: UNC80 Deficiency. Identifiers: Orphanet 371364, Orphanet 700333, MedGen C4225203, MONDO:0014777, OMIM 616801.

Allele frequency attached by ClinVar (database versions not stated): TOPMed below 0.00001; gnomAD 0.00001.

Submission:

Baylor Genetics
Classification: Uncertain significance for Hypotonia, infantile, with psychomotor retardation and characteristic facies 2. Last evaluated: 2019-11-22. Review status: criteria provided, single submitter. Criteria: ACMG Guidelines, 2015. Collection method: clinical testing. Allele origin: unknown. Affected: yes.
Comment: This variant was determined to be of uncertain significance according to ACMG Guidelines, 2015 [PMID:25741868].

NM_001371986.1(UNC80):c.8773-16T>C

Gene: UNC80 (unc-80 subunit of NALCN channel complex; plus strand). Cytogenetic location: 2q34.
Variant type: single nucleotide variant.
Coding change: c.8773-16T>C on transcript NM_001371986.1 (MANE Select); 16 bases into the intron before coding-DNA position 8773, T replaced by C.
Molecular consequence: intron variant.
Genome position (GRCh38, 1-based): chr2:209,976,897, T>C. VCF-style: chr2-209976897-T-C. GRCh37 (hg19) VCF-style: chr2-210841621-T-C.
Other names: c.8575-16T>C (NM_032504.2); c.8560-16T>C (NM_182587.4).
Identifiers: ClinVar variation 1028457 (VCV001028457.1), dbSNP rs2093027982, ClinGen allele CA1041862128.